The following is an entry in ClinVar:

ClinVar aggregate classification (germline): Pathogenic. Review status: criteria provided, multiple submitters, no conflicts (2 of 4 stars). 5 submissions from 5 submitters: Pathogenic (3). 2 of the submissions do not count toward it. Last evaluated 2025-04-09.

Conditions:
AFG3L2-related disorder. Also called: AFG3L2-related condition.
Spinocerebellar ataxia type 28 (SCA28). Also called: Spinocerebellar Ataxia Type 28 (SCA28). Identifiers: Orphanet 101109, MedGen C1853249, MONDO:0012450, OMIM 610246.

Submissions (5):

PreventionGenetics, part of Exact Sciences
Classification: Pathogenic for AFG3L2-related condition. Last evaluated: 2025-04-09. Review status: criteria provided, single submitter. Criteria: ACMG Guidelines, 2015. Collection method: clinical testing. Allele origin: germline.
Comment: The AFG3L2 c.2011G>A variant is predicted to result in the amino acid substitution p.Gly671Arg. This variant has been reported and shown to co-segregate with disease in at two apparently unrelated families with spinocerebellar ataxia 28 (SCA28) (Cagnoli et al. 2010. PubMed ID: 20725928). In vitro experimental studies using heterozygous patient fibroblasts and AFG3L2-deficient murine embryonic fibroblasts (MEFs) have demonstrated that this variant negatively impacts protein function (Tulli et al. 2019. PubMed ID: 30910913). This variant has not been reported in a large population database (gnomAD), indicating this variant is rare. A different nucleotide substitution (c.2011G>C) leading to the same amino acid change (Szpisjak et al. 2017. PubMed ID: 28660440 ) and two additional substitutions leading to different missense changes of the same amino acid (p.Gly671Glu in Cagnoli et al. 2010. PubMed ID: 20725928; p.Gly671Trp in Gorman et al. 2015. PubMed ID: 25420100) have also been reported as disease-causing in individuals with SCA28. Taken together, we interpret the c.2011G>A (p.Gly671Arg) variant as pathogenic.

Blueprint Genetics
Classification: Pathogenic for AFG3L2-related disorders. Last evaluated: 2024-07-02. Review status: criteria provided, single submitter. Criteria: ACMG Guidelines, 2015. Collection method: clinical testing. Allele origin: germline. Affected: yes. Observed: 1 variant allele.

Undiagnosed Diseases Network, NIH
Classification: Pathogenic for Spinocerebellar ataxia type 28. Last evaluated: 2017-07-18. Review status: criteria provided, single submitter. Criteria: ACMG Guidelines, 2015. Collection method: clinical testing. Allele origin: unknown. Inheritance: Autosomal dominant inheritance. Affected: yes. Observed: 1 variant allele, 1 heterozygote. Study: Undiagnosed Diseases Network (NIH), UDN.

OMIM
Classification: Pathogenic for SPINOCEREBELLAR ATAXIA 28. Last evaluated: 2010-10-01. Review status: no assertion criteria provided. Collection method: literature only. Allele origin: germline. Not counted in ClinVar's aggregate classification.

GeneReviews
No classification provided. Condition: Spinocerebellar ataxia type 28. Review status: no classification provided. Collection method: literature only. Allele origin: germline. Not counted in ClinVar's aggregate classification.

Literature cited by the submitters: PubMed 20725928 (cited by Undiagnosed Diseases Network, NIH and OMIM); NCBI Bookshelf NBK54582 (cited by GeneReviews).

NM_006796.3(AFG3L2):c.2011G>A (p.Gly671Arg)

Gene: AFG3L2 (AFG3 like matrix AAA peptidase subunit 2; minus strand). Cytogenetic location: 18p11.21.
Variant type: single nucleotide variant.
Coding change: c.2011G>A on transcript NM_006796.3 (MANE Select); coding-DNA position 2011, G replaced by A.
Protein change: p.Gly671Arg; replaces glycine 671 with arginine.
Molecular consequence: missense variant.
Genome position (GRCh38, 1-based): chr18:12,337,505, C>T on the plus strand (G>A on the coding strand, the complement: AFG3L2 is on the minus strand). VCF-style: chr18-12337505-C-T. GRCh37 (hg19) VCF-style: chr18-12337504-C-T.
Other names: short protein forms G671R.
Identifiers: ClinVar variation 30425 (VCV000030425.8), dbSNP rs151344517, ClinGen allele CA342735.
Genomic context (GRCh38, chr18:12,337,505, plus strand): 5'-CACTGTAAGGTTTCTCCAATACCATGTCCCCCTGACGTGGGAGGTCAAAGGAGATTTGCC[C>T]AACCTTTTCATTCATGCCAAACTGAACAATCTGAAAAATACATAATTAGTGGTGATTACA-3'
Protein context (NP_006787.2, residues 661-681): IVQFGMNEKV[Gly671Arg]QISFDLPRQG